The following is an entry in ClinVar:

ClinVar aggregate classification (germline): Likely benign. Review status: criteria provided, multiple submitters, no conflicts (2 of 4 stars). 3 submissions from 3 submitters: Likely benign (2). 1 of the submissions does not count toward it. Last evaluated 2025-07-20.

Conditions:
EPRS1-related disorder. Also called: EPRS1-related condition.

Allele frequency attached by ClinVar (database versions not stated): gnomAD 0.00017 and 0.00021; gnomAD exomes 0.00025 and 0.00042; 1000 Genomes Project 30x 0.00031; ESP Exome Variant Server 0.00031; TOPMed 0.00031; 1000 Genomes Project 0.00040; ExAC 0.00046.
gnomAD v4.1: 407 of 1,598,796 alleles (0.025%); highest among the groups gnomAD compares: South Asian, 0.19%; 3 homozygotes.

Submissions (3):

Labcorp Genetics (formerly Invitae), Labcorp
Classification: Likely benign. Last evaluated: 2025-07-20. Review status: criteria provided, single submitter. Criteria: Invitae Variant Classification Sherloc (09022015). Collection method: clinical testing. Allele origin: germline.

Breakthrough Genomics
Classification: Likely benign. Review status: criteria provided, single submitter. Criteria: ACMG Guidelines, 2015. Collection method: not provided. Allele origin: germline. Inheritance: Autosomal recessive inheritance. Affected: yes.

PreventionGenetics, part of Exact Sciences
Classification: Likely benign for EPRS1-related condition. Last evaluated: 2023-02-02. Review status: no assertion criteria provided. Collection method: clinical testing. Allele origin: germline. Not counted in ClinVar's aggregate classification.
Comment: This variant is classified as likely benign based on ACMG/AMP sequence variant interpretation guidelines (Richards et al. 2015 PMID: 25741868, with internal and published modifications).

NM_004446.3(EPRS1):c.1888A>G (p.Ile630Val)

Gene: EPRS1 (glutamyl-prolyl-tRNA synthetase 1; minus strand). Cytogenetic location: 1q41.
Variant type: single nucleotide variant.
Coding change: c.1888A>G on transcript NM_004446.3 (MANE Select); coding-DNA position 1888, A replaced by G.
Protein change: p.Ile630Val; replaces isoleucine 630 with valine.
Molecular consequence: missense variant.
Genome position (GRCh38, 1-based): chr1:220,006,168, T>C on the plus strand (A>G on the coding strand, the complement: EPRS1 is on the minus strand). VCF-style: chr1-220006168-T-C. GRCh37 (hg19) VCF-style: chr1-220179510-T-C.
Other names: c.1888A>G (NM_004446.2); short protein forms I630V.
Identifiers: ClinVar variation 1680977 (VCV001680977.11), dbSNP rs150364999, ClinGen allele CA1400144.